The following is an entry in ClinVar:

ClinVar aggregate classification (germline): Uncertain significance. Review status: criteria provided, multiple submitters, no conflicts (2 of 4 stars). 7 submissions from 7 submitters: Uncertain significance (7). Last evaluated 2026-10-01.

Conditions:
Hereditary cancer-predisposing syndrome. Also called: Hereditary neoplastic syndrome; Tumor predisposition; Neoplastic Syndromes, Hereditary; Hereditary Cancer Syndrome. Identifiers: Orphanet 140162, MedGen C0027672, MeSH D009386, MONDO:0015356.
Hereditary diffuse gastric adenocarcinoma (HDGC). Also called: DIFFUSE GASTRIC AND LOBULAR BREAST CANCER SYNDROME. Identifiers: Orphanet 26106, MedGen C1708349, MONDO:0007648, OMIM 137215.
Familial cancer of breast. Also called: hereditary breast carcinoma; BREAST CANCER, FAMILIAL; Hereditary breast cancer. Identifiers: Orphanet 227535, MedGen C0346153, MONDO:0016419, OMIM 114480. Disease mechanism: loss of function.

Allele frequency attached by ClinVar (database versions not stated): gnomAD exomes below 0.00001 and 0.00001; ExAC 0.00001; TOPMed 0.00001; gnomAD 0.00002.
gnomAD v4.1: 21 of 1,613,638 alleles (0.0013%); highest among the groups gnomAD compares: Non-Finnish European, 0.0017%; no homozygotes.

Submissions (7):

St. Jude Molecular Pathology, St. Jude Children's Research Hospital
Classification: Uncertain significance for Hereditary diffuse gastric adenocarcinoma. Last evaluated: 2026-10-01. Review status: criteria provided, single submitter. Criteria: St. Jude Assertion Criteria 2020. Collection method: clinical testing. Allele origin: germline.
Comment: The CDH1 c.2202A>T p.(Arg734Ser) missense change has a maximum subpopulation frequency of 0.0009% in gnomAD v2.1.1. The in silico tool REVEL predicts a benign effect on protein function, but to our knowledge this prediction has not been confirmed by functional studies. To our knowledge, this variant has not been reported in the literature in individuals with diffuse gastric and lobular breast cancer syndrome. In summary, the evidence currently available is insufficient to determine the clinical significance of this variant. It has therefore been classified as of uncertain significance.

Center for Genomic Medicine, Rigshospitalet, Copenhagen University Hospital
Classification: Uncertain significance. Last evaluated: 2025-12-29. Review status: criteria provided, single submitter. Criteria: ACMG Guidelines, 2015. Collection method: clinical testing. Allele origin: germline.

Ambry Genetics
Classification: Uncertain significance for Hereditary cancer-predisposing syndrome. Last evaluated: 2024-10-18. Review status: criteria provided, single submitter. Criteria: Ambry Variant Classification Scheme 2023. Collection method: clinical testing. Allele origin: germline.
Comment: The p.R734S variant (also known as c.2202A>T), located in coding exon 14 of the CDH1 gene, results from an A to T substitution at nucleotide position 2202. The arginine at codon 734 is replaced by serine, an amino acid with dissimilar properties. This amino acid position is not well conserved in available vertebrate species. In addition, this alteration is predicted to be tolerated by in silico analysis. Since supporting evidence is limited at this time, the clinical significance of this alteration remains unclear.

Labcorp Genetics (formerly Invitae), Labcorp
Classification: Uncertain significance for Hereditary diffuse gastric adenocarcinoma. Last evaluated: 2023-11-10. Review status: criteria provided, single submitter. Criteria: Invitae Variant Classification Sherloc (09022015). Collection method: clinical testing. Allele origin: germline.
Comment: This sequence change replaces arginine, which is basic and polar, with serine, which is neutral and polar, at codon 734 of the CDH1 protein (p.Arg734Ser). This variant is present in population databases (rs745717070, gnomAD 0.0009%). This variant has not been reported in the literature in individuals affected with CDH1-related conditions. ClinVar contains an entry for this variant (Variation ID: 463746). An algorithm developed to predict the effect of missense changes on protein structure and function (PolyPhen-2) suggests that this variant is likely to be disruptive. In summary, the available evidence is currently insufficient to determine the role of this variant in disease. Therefore, it has been classified as a Variant of Uncertain Significance.

Baylor Genetics
Classification: Uncertain significance for Familial cancer of breast. Last evaluated: 2023-06-16. Review status: criteria provided, single submitter. Criteria: ACMG Guidelines, 2015. Collection method: clinical testing. Allele origin: unknown.

GeneDx
Classification: Uncertain significance. Last evaluated: 2021-11-10. Review status: criteria provided, single submitter. Criteria: GeneDx Variant Classification Process June 2021. Collection method: clinical testing. Allele origin: germline. Affected: yes.
Comment: Not observed at significant frequency in large population cohorts (Lek 2016); In silico analysis supports that this missense variant has a deleterious effect on protein structure/function; Has not been previously published as pathogenic or benign to our knowledge; This variant is associated with the following publications: (PMID: 15235021, 22850631)

Color Diagnostics, LLC DBA Color Health
Classification: Uncertain significance for Hereditary cancer-predisposing syndrome. Last evaluated: 2018-12-18. Review status: criteria provided, single submitter. Criteria: ACMG Guidelines, 2015. Collection method: clinical testing. Allele origin: germline.

NM_004360.5(CDH1):c.2202A>T (p.Arg734Ser)

Gene: CDH1 (cadherin 1; plus strand). Cytogenetic location: 16q22.1.
Variant type: single nucleotide variant.
Coding change: c.2202A>T on transcript NM_004360.5 (MANE Select); coding-DNA position 2202, A replaced by T.
Protein change: p.Arg734Ser; replaces arginine 734 with serine.
Molecular consequence: missense variant.
Genome position (GRCh38, 1-based): chr16:68,828,211, A>T. VCF-style: chr16-68828211-A-T. GRCh37 (hg19) VCF-style: chr16-68862114-A-T.
Other names: c.2019A>T, p.Arg673Ser (NM_001317184.2); c.654A>T, p.Arg218Ser (NM_001317185.2); c.237A>T, p.Arg79Ser (NM_001317186.2); c.2202A>T (LRG_301t1); short protein forms R734S, R79S, R673S, R218S.
Identifiers: ClinVar variation 463746 (VCV000463746.29), dbSNP rs745717070, ClinGen allele CA8130227.
Genomic context (GRCh38, chr16:68,828,211, plus strand): 5'-CTCTGTCTCCCCCACCATCCCAGTTCTGATTCTGCTGCTCTTGCTGTTTCTTCGGAGGAG[A>T]GCGGTGGTCAAAGAGCCCTTACTGCCCCCAGAGGATGACACCCGGGACAACGTTTATTAC-3'
Protein context (NP_004351.1, residues 724-744): ILLLLLFLRR[Arg734Ser]AVVKEPLLPP